The following is an entry in ClinVar:

ClinVar aggregate classification (germline): Benign. Review status: criteria provided, multiple submitters, no conflicts (2 of 4 stars). 9 submissions from 9 submitters: Benign (7). 2 of the submissions do not count toward it. Last evaluated 2026-02-04.

Allele frequency attached by ClinVar (database versions not stated): 1000 Genomes Project 30x 0.34400; 1000 Genomes Project 0.34884; TOPMed 0.37823; gnomAD 0.37904 and 0.38400; ESP Exome Variant Server 0.38221; ExAC 0.42628; gnomAD exomes 0.42722 and 0.46577.
gnomAD v4.1: 737,604 of 1,612,358 alleles (46%); highest among the groups gnomAD compares: Non-Finnish European, 49%; 172,418 homozygotes.

Submissions (9):

Labcorp Genetics (formerly Invitae), Labcorp
Classification: Benign. Last evaluated: 2026-02-04. Review status: criteria provided, single submitter. Criteria: Invitae Variant Classification Sherloc (09022015). Collection method: clinical testing. Allele origin: germline.

Blueprint Genetics
Classification: Benign. Last evaluated: 2024-11-28. Review status: criteria provided, single submitter. Criteria: ACMG Guidelines, 2015. Collection method: clinical testing. Allele origin: germline.

Mayo Clinic Laboratories, Mayo Clinic
Classification: Benign. Last evaluated: 2022-03-09. Review status: criteria provided, single submitter. Criteria: ACMG Guidelines, 2015. Collection method: clinical testing. Allele origin: germline. Observed: 129 variant alleles.

GeneDx
Classification: Benign. Last evaluated: 2018-11-12. Review status: criteria provided, single submitter. Criteria: GeneDx Variant Classification (06012015). Collection method: clinical testing. Allele origin: germline. Affected: yes.

Laboratory for Molecular Medicine, Mass General Brigham Personalized Medicine
Classification: Benign. Last evaluated: 2016-03-21. Review status: criteria provided, single submitter. Criteria: LMM Criteria. Collection method: clinical testing. Allele origin: germline. Observed: 1 variant allele.
Comment: p.Thr257Thr in exon 6 of GNA11: This variant is not expected to have clinical si gnificance because it does not alter an amino acid residue, is not located withi n the splice consensus sequence, and has been identified in 46.79% (31211/66704) of European chromosomes by the Exome Aggregation Consortium (ExAC.; dbSNP rs4900).

Breakthrough Genomics
Classification: Benign. Review status: criteria provided, single submitter. Criteria: ACMG Guidelines, 2015. Collection method: not provided. Allele origin: germline. Inheritance: Autosomal dominant inheritance. Affected: yes.

PreventionGenetics, part of Exact Sciences
Classification: Benign. Review status: criteria provided, single submitter. Criteria: ACMG Guidelines, 2015. Collection method: clinical testing. Allele origin: germline.

Clinical Genetics, Academic Medical Center
Classification: Benign. Review status: no assertion criteria provided. Collection method: clinical testing. Allele origin: germline. Affected: yes. Study: VKGL Data-share Consensus. Not counted in ClinVar's aggregate classification.

Joint Genome Diagnostic Labs from Nijmegen and Maastricht, Radboudumc and MUMC+
Classification: Benign. Review status: no assertion criteria provided. Collection method: clinical testing. Allele origin: germline. Affected: yes. Study: VKGL Data-share Consensus. Not counted in ClinVar's aggregate classification.

NM_002067.5(GNA11):c.771C>T (p.Thr257=)

Gene: GNA11 (G protein subunit alpha 11; plus strand). Cytogenetic location: 19p13.3.
Variant type: single nucleotide variant.
Coding change: c.771C>T on transcript NM_002067.5 (MANE Select); coding-DNA position 771, C replaced by T.
Protein change: p.Thr257=; no amino-acid change (threonine 257 retained).
Molecular consequence: synonymous variant.
Genome position (GRCh38, 1-based): chr19:3,119,241, C>T. VCF-style: chr19-3119241-C-T. GRCh37 (hg19) VCF-style: chr19-3119239-C-T.
Other names: p.Thr257=.
Identifiers: ClinVar variation 258548 (VCV000258548.21), dbSNP rs4900, ClinGen allele CA9075015.